The following is an entry in ClinVar:

ClinVar aggregate classification (germline): Uncertain significance (1 of 4 stars; one submission).

Submission:

GeneDx
Classification: Uncertain significance. Last evaluated: 2025-01-16. Review status: criteria provided, single submitter. Criteria: GeneDx Variant Classification Process June 2021. Collection method: clinical testing. Allele origin: germline. Affected: yes.
Comment: Has not been previously published as pathogenic or benign to our knowledge; Not observed at significant frequency in large population cohorts (gnomAD); Missense variant in a gene in which most reported pathogenic variants are truncating/loss of function

NM_001267550.2(TTN):c.39700C>A (p.Pro13234Thr)

Gene: TTN (titin; minus strand). Cytogenetic location: 2q31.2.
Variant type: single nucleotide variant.
Coding change: c.39700C>A on transcript NM_001267550.2 (MANE Select); coding-DNA position 39700, C replaced by A.
Protein change: p.Pro13234Thr; replaces proline 13234 with threonine.
Molecular consequence: missense variant. On other transcripts: intron variant (3).
Genome position (GRCh38, 1-based): chr2:178,650,760, G>T on the plus strand (C>A on the coding strand, the complement: TTN is on the minus strand). VCF-style: chr2-178650760-G-T. GRCh37 (hg19) VCF-style: chr2-179515487-G-T.
Other names: c.35179C>A, p.Pro11727Thr (NM_001256850.1); c.32398C>A, p.Pro10800Thr (NM_133378.4); c.13283-8443C>A (NM_003319.4); c.13859-8443C>A (NM_133437.4); c.13658-8443C>A (NM_133432.3); short protein forms P10800T, P11727T, P13234T.
Identifiers: ClinVar variation 1697067 (VCV001697067.3), dbSNP rs749064224, ClinGen allele CA349452549.